The following is an entry in ClinVar:

NM_058216.3(RAD51C):c.136C>A (p.Leu46Ile)

Gene: RAD51C (RAD51 paralog C; plus strand). Cytogenetic location: 17q22.
Variant type: single nucleotide variant.
Coding change: c.136C>A on transcript NM_058216.3 (MANE Select); coding-DNA position 136, C replaced by A.
Protein change: p.Leu46Ile; replaces leucine 46 with isoleucine.
Molecular consequence: missense variant. On other transcripts: non-coding transcript variant (1).
Genome position (GRCh38, 1-based): chr17:58,692,779, C>A. VCF-style: chr17-58692779-C-A. GRCh37 (hg19) VCF-style: chr17-56770140-C-A.
Other names: c.136C>A, p.Leu46Ile (NM_002876.4); short protein forms L46I.
Identifiers: ClinVar variation 471437 (VCV000471437.8), dbSNP rs1423724305, ClinGen allele CA400337764.

ClinVar aggregate classification (germline): Uncertain significance (1 of 4 stars; one submission).

Conditions:
Fanconi anemia complementation group O. Also called: RAD51C-Related Fanconi Anemia. Identifiers: Orphanet 84, MedGen C3150653, MONDO:0013248, OMIM 613390.

Submission:

Labcorp Genetics (formerly Invitae), Labcorp
Classification: Uncertain significance for Fanconi anemia complementation group O. Last evaluated: 2017-03-27. Review status: criteria provided, single submitter. Criteria: Invitae Variant Classification Sherloc (09022015). Collection method: clinical testing. Allele origin: germline.
Comment: This sequence change replaces leucine with isoleucine at codon 46 of the RAD51C protein (p.Leu46Ile). The leucine residue is highly conserved and there is a small physicochemical difference between leucine and isoleucine. This variant is not present in population databases (ExAC no frequency) and has not been reported in the literature in individuals with a RAD51C-related disease. Algorithms developed to predict the effect of missense changes on protein structure and function do not agree on the potential impact of this missense change (SIFT: "Tolerated"; PolyPhen-2: "Possibly Damaging"; Align-GVGD: "Class C0"). In summary, this variant is a novel missense change with uncertain impact on protein function. It has been classified as a Variant of Uncertain Significance.